The following is an entry in ClinVar:

NM_020702.5(MYORG):c.191G>A (p.Gly64Glu)

Gene: MYORG (myogenesis regulating glycosidase; minus strand). Cytogenetic location: 9p13.3.
Variant type: single nucleotide variant.
Coding change: c.191G>A on transcript NM_020702.5 (MANE Select); coding-DNA position 191, G replaced by A.
Protein change: p.Gly64Glu; replaces glycine 64 with glutamic acid.
Molecular consequence: missense variant.
Genome position (GRCh38, 1-based): chr9:34,372,753, C>T on the plus strand (G>A on the coding strand, the complement: MYORG is on the minus strand). VCF-style: chr9-34372753-C-T. GRCh37 (hg19) VCF-style: chr9-34372751-C-T.
Other names: short protein forms G64E.
Identifiers: ClinVar variation 692184 (VCV000692184.1), dbSNP rs756514041, ClinGen allele CA373247702.

ClinVar aggregate classification (germline): Uncertain significance (1 of 4 stars; one submission).

Conditions:
Basal ganglia calcification, idiopathic, 7, autosomal recessive. Also called: PRIMARY FAMILIAL BRAIN CALCIFICATION 7, AUTOSOMAL RECESSIVE. Identifiers: MedGen C5193025, MONDO:0032673, OMIM 618317.

Submission:

SIB Swiss Institute of Bioinformatics
Classification: Uncertain significance for Basal ganglia calcification, idiopathic, 7, autosomal recessive. Last evaluated: 2019-06-13. Review status: criteria provided, single submitter. Criteria: ACMG Guidelines, 2015. Collection method: curation. Allele origin: unknown.
Comment: This variant is interpreted as a variant of Uncertain significance for Basal ganglia calcification, idiopathic, 7, autosomal recessive. The following ACMG Tag(s) were applied: PM2, PM3-Supporting, PP3, PP1.

Literature cited by the submitters: PubMed 31009047.